The following is an entry in ClinVar:

ClinVar aggregate classification (germline): Uncertain significance (1 of 4 stars; one submission).

Conditions:
ZNF496-related disorder.

Submission:

3billion
Classification: Uncertain significance for ZNF496-related disorder. Last evaluated: 2025-12-11. Review status: criteria provided, single submitter. Criteria: ACMG Guidelines, 2015. Collection method: clinical testing. Allele origin: germline. Affected: yes.
Comment: The variant is not observed in the gnomAD v4.1.0 dataset. Predicted Consequence/Location: Frameshift variant Therefore, this variant is classified as VUS according to the recommendation of ACMG/AMP guideline.

NM_032752.3(ZNF496):c.1485del (p.Lys496fs)

Gene: ZNF496 (zinc finger protein 496; minus strand). Cytogenetic location: 1q44.
Variant type: Deletion.
Coding change: c.1485del on transcript NM_032752.3 (MANE Select); coding-DNA position 1485, one base deleted (G; older notation c.1485delG).
Protein change: p.Lys496fs; shifts the reading frame from lysine 496.
Molecular consequence: frameshift variant.
Genome position (GRCh38, 1-based): chr1:247,300,798, C deleted on the plus strand (G on the coding strand, the reverse complement: ZNF496 is on the minus strand). VCF-style (leftmost placement, unchanged base first): chr1-247300797-TC-T. GRCh37 (hg19) VCF-style: chr1-247464099-TC-T.
Other names: short protein forms K496fs.
Identifiers: ClinVar variation 4854221 (VCV004854221.1).